The following is an entry in ClinVar:

NM_000135.4(FANCA):c.1506G>C (p.Lys502Asn)

Gene: FANCA (FA complementation group A; minus strand). Cytogenetic location: 16q24.3.
Variant type: single nucleotide variant.
Coding change: c.1506G>C on transcript NM_000135.4 (MANE Select); coding-DNA position 1506, G replaced by C.
Protein change: p.Lys502Asn; replaces lysine 502 with asparagine.
Molecular consequence: missense variant.
Genome position (GRCh38, 1-based): chr16:89,783,067, C>G on the plus strand (G>C on the coding strand, the complement: FANCA is on the minus strand). VCF-style: chr16-89783067-C-G. GRCh37 (hg19) VCF-style: chr16-89849475-C-G.
Other names: c.1506G>C, p.Lys502Asn (NM_001286167.3); short protein forms K502N.
Identifiers: ClinVar variation 4619228 (VCV004619228.1).

ClinVar aggregate classification (germline): Uncertain significance (1 of 4 stars; one submission).

Conditions:
Inborn genetic diseases. Identifiers: MedGen C0950123, MeSH D030342.

Submission:

Ambry Genetics
Classification: Uncertain significance for Inborn genetic diseases. Last evaluated: 2025-10-28. Review status: criteria provided, single submitter. Criteria: Ambry Variant Classification Scheme 2023. Collection method: clinical testing. Allele origin: germline.
Comment: The p.K502N variant (also known as c.1506G>C), located in coding exon 16 of the FANCA gene, results from a G to C substitution at nucleotide position 1506. The lysine at codon 502 is replaced by asparagine, an amino acid with similar properties. This amino acid position is conserved. In addition, this alteration is predicted to be tolerated by in silico analysis. Based on the available evidence, the clinical significance of this variant remains unclear.